The following is an entry in ClinVar:

NM_001040108.2(MLH3):c.*2965C>T

Gene: MLH3 (mutL homolog 3; minus strand). Cytogenetic location: 14q24.3.
Variant type: single nucleotide variant.
Coding change: c.*2965C>T on transcript NM_001040108.2 (MANE Select); 2965 bases downstream of the stop codon, C replaced by T.
Molecular consequence: 3 prime UTR variant.
Genome position (GRCh38, 1-based): chr14:75,014,117, G>A on the plus strand (C>T on the coding strand, the complement: MLH3 is on the minus strand). VCF-style: chr14-75014117-G-A. GRCh37 (hg19) VCF-style: chr14-75480820-G-A.
Other names: c.*2965C>T (NM_014381.3).
Identifiers: ClinVar variation 314349 (VCV000314349.7), dbSNP rs10134636, ClinGen allele CA10646112.

ClinVar aggregate classification (germline): Benign/Likely benign. Review status: criteria provided, multiple submitters, no conflicts (2 of 4 stars). 2 submissions from 2 submitters: Benign (1); Likely benign (1). Last evaluated 2018-01-13.

Conditions:
Colorectal cancer, hereditary nonpolyposis, type 7. Identifiers: Orphanet 144, MedGen C1858380, MONDO:0013725, OMIM 614385.

Allele frequency attached by ClinVar (database versions not stated): gnomAD exomes 0.00378; 1000 Genomes Project 0.02855; gnomAD 0.02908 and 0.03135; 1000 Genomes Project 30x 0.03029; TOPMed 0.03331.
gnomAD v4.1: 4,483 of 176,456 alleles (2.5%); highest among the groups gnomAD compares: African/African-American, 10%; 233 homozygotes.

Submissions (2):

Illumina Laboratory Services, Illumina
Classification: Benign for Colorectal cancer, hereditary nonpolyposis, type 7. Last evaluated: 2018-01-13. Review status: criteria provided, single submitter. Criteria: ICSL Variant Classification Criteria 13 December 2019. Collection method: clinical testing. Allele origin: germline.
Comment: This variant was observed in the ICSL laboratory as part of a predisposition screen in an ostensibly healthy population. It had not been previously curated by ICSL or reported in the Human Gene Mutation Database (HGMD: prior to June 1st, 2018), and was therefore a candidate for classification through an automated scoring system. Utilizing variant allele frequency, disease prevalence and penetrance estimates, and inheritance mode, an automated score was calculated to assess if this variant is too frequent to cause the disease. Based on the score and internal cut-off values, a variant classified as benign is not then subjected to further curation. The score for this variant resulted in a classification of benign for this disease.

Breakthrough Genomics
Classification: Likely benign. Review status: criteria provided, single submitter. Criteria: ACMG Guidelines, 2015. Collection method: not provided. Allele origin: germline. Inheritance: Autosomal dominant inheritance. Affected: yes.